The following is an entry in ClinVar:

NM_000051.4(ATM):c.1748A>C (p.Tyr583Ser)

Gene: ATM (ATM serine/threonine kinase; plus strand). Cytogenetic location: 11q22.3.
Variant type: single nucleotide variant.
Coding change: c.1748A>C on transcript NM_000051.4 (MANE Select); coding-DNA position 1748, A replaced by C.
Protein change: p.Tyr583Ser; replaces tyrosine 583 with serine.
Molecular consequence: missense variant.
Genome position (GRCh38, 1-based): chr11:108,251,977, A>C. VCF-style: chr11-108251977-A-C. GRCh37 (hg19) VCF-style: chr11-108122704-A-C.
Other names: c.1748A>C, p.Tyr583Ser (NM_001351834.2); short protein forms Y583S.
Identifiers: ClinVar variation 135735 (VCV000135735.20), dbSNP rs587780614, ClinGen allele CA332318.

ClinVar aggregate classification (germline): Conflicting classifications of pathogenicity. Review status: criteria provided, conflicting classifications (1 of 4 stars). 3 submissions from 3 submitters: Uncertain significance (2); Likely benign (1). Last evaluated 2026-01-10.

Conditions:
Hereditary cancer-predisposing syndrome. Also called: Tumor predisposition; Hereditary neoplastic syndrome; Neoplastic Syndromes, Hereditary; Hereditary Cancer Syndrome. Identifiers: Orphanet 140162, MedGen C0027672, MeSH D009386, MONDO:0015356.
Ataxia-telangiectasia syndrome (AT). Also called: ATAXIA-TELANGIECTASIA, COMPLEMENTATION GROUP A; ATAXIA-TELANGIECTASIA, FRESNO VARIANT; Ataxia-telangiectasia; LOUIS-BAR SYNDROME; Cerebello-oculocutaneous telangiectasia; Immunodeficiency with ataxia telangiectasia. Identifiers: Orphanet 100, MedGen C0004135, MONDO:0008840, OMIM 208900.

gnomAD v4.1: 1 of 1,613,746 alleles (0.000062%); highest among the groups gnomAD compares: Non-Finnish European, 0.000085%; no homozygotes.

Submissions (3):

Labcorp Genetics (formerly Invitae), Labcorp
Classification: Uncertain significance for Ataxia-telangiectasia syndrome. Last evaluated: 2026-01-10. Review status: criteria provided, single submitter. Criteria: Invitae Variant Classification Sherloc (09022015). Collection method: clinical testing. Allele origin: germline.
Comment: This sequence change replaces tyrosine, which is neutral and polar, with serine, which is neutral and polar, at codon 583 of the ATM protein (p.Tyr583Ser). This variant is not present in population databases (gnomAD no frequency). This variant has not been reported in the literature in individuals affected with ATM-related conditions. ClinVar contains an entry for this variant (Variation ID: 135735). Invitae Evidence Modeling of protein sequence and biophysical properties (such as structural, functional, and spatial information, amino acid conservation, physicochemical variation, residue mobility, and thermodynamic stability) indicates that this missense variant is not expected to disrupt ATM protein function with a negative predictive value of 95%. In summary, the available evidence is currently insufficient to determine the role of this variant in disease. Therefore, it has been classified as a Variant of Uncertain Significance.

Ambry Genetics
Classification: Likely benign for Hereditary cancer-predisposing syndrome. Last evaluated: 2025-01-08. Review status: criteria provided, single submitter. Criteria: Ambry Variant Classification Scheme 2023. Collection method: clinical testing. Allele origin: germline.

Color Diagnostics, LLC DBA Color Health
Classification: Uncertain significance for Hereditary cancer-predisposing syndrome. Last evaluated: 2021-06-15. Review status: criteria provided, single submitter. Criteria: ACMG Guidelines, 2015. Collection method: clinical testing. Allele origin: germline.
Comment: This missense variant replaces tyrosine with serine at codon 583 of the ATM protein. Computational prediction suggests that this variant may not impact protein structure and function (internally defined REVEL score threshold <= 0.5, PMID: 27666373). To our knowledge, functional studies have not been reported for this variant. This variant has not been reported in individuals affected with hereditary cancer in the literature. This variant has not been identified in the general population by the Genome Aggregation Database (gnomAD). The available evidence is insufficient to determine the role of this variant in disease conclusively. Therefore, this variant is classified as a Variant of Uncertain Significance.